The following is an entry in ClinVar:

ClinVar aggregate classification (germline): Uncertain significance (1 of 4 stars; one submission).

Conditions:
Autosomal recessive limb-girdle muscular dystrophy type 2W (MDRCMTT). Also called: Muscular dystrophy, limb-girdle, type 2W; Muscular dystrophy, autosomal recessive, with cardiomyopathy and triangular tongue. Identifiers: MedGen C4225192, MONDO:0014788, OMIM 616827.

Allele frequency attached by ClinVar (database versions not stated): gnomAD exomes below 0.00001.
gnomAD v4.1: 4 of 1,612,896 alleles (0.00025%); highest among the groups gnomAD compares: Middle Eastern, 0.017%; no homozygotes.

Submission:

Labcorp Genetics (formerly Invitae), Labcorp
Classification: Uncertain significance for Autosomal recessive limb-girdle muscular dystrophy type 2W. Last evaluated: 2022-05-18. Review status: criteria provided, single submitter. Criteria: Invitae Variant Classification Sherloc (09022015). Collection method: clinical testing. Allele origin: germline.
Comment: This sequence change replaces aspartic acid, which is acidic and polar, with alanine, which is neutral and non-polar, at codon 277 of the LIMS2 protein (p.Asp277Ala). This variant is not present in population databases (gnomAD no frequency). This variant has not been reported in the literature in individuals affected with LIMS2-related conditions. ClinVar contains an entry for this variant (Variation ID: 1000166). Algorithms developed to predict the effect of missense changes on protein structure and function are either unavailable or do not agree on the potential impact of this missense change (SIFT: "Tolerated"; PolyPhen-2: "Probably Damaging"; Align-GVGD: "Class C0"). In summary, the available evidence is currently insufficient to determine the role of this variant in disease. Therefore, it has been classified as a Variant of Uncertain Significance.

NM_001161403.3(LIMS2):c.764A>C (p.Asp255Ala)

Gene: LIMS2 (LIM zinc finger domain containing 2; minus strand). Cytogenetic location: 2q14.3.
Variant type: single nucleotide variant.
Coding change: c.764A>C on transcript NM_001161403.3 (MANE Select); coding-DNA position 764, A replaced by C.
Protein change: p.Asp255Ala; replaces aspartic acid 255 with alanine.
Molecular consequence: missense variant.
Genome position (GRCh38, 1-based): chr2:127,640,308, T>G on the plus strand (A>C on the coding strand, the complement: LIMS2 is on the minus strand). VCF-style: chr2-127640308-T-G. GRCh37 (hg19) VCF-style: chr2-128397883-T-G.
Other names: c.830A>C, p.Asp277Ala (NM_001136037.4); c.749A>C, p.Asp250Ala (NM_001161404.2); c.308A>C, p.Asp103Ala (NM_001256542.2); c.836A>C, p.Asp279Ala (NM_017980.5); short protein forms D103A, D250A, D255A, D277A, D279A.
Identifiers: ClinVar variation 1000166 (VCV001000166.9), dbSNP rs1682280712, ClinGen allele CA348424346.